The following is an entry in ClinVar:

ClinVar aggregate classification (germline): Uncertain significance (1 of 4 stars; one submission).

Submission:

GeneDx
Classification: Uncertain significance. Last evaluated: 2026-03-06. Review status: criteria provided, single submitter. Criteria: GeneDx Variant Classification Process June 2021. Collection method: clinical testing. Allele origin: germline.
Comment: Not observed at significant frequency in large population cohorts (gnomAD); In silico analysis supports that this missense variant has a deleterious effect on protein structure/function; Has not been previously published as pathogenic or benign to our knowledge

NM_138459.5(NUS1):c.722T>A (p.Val241Glu)

Gene: NUS1 (NUS1 dehydrodolichyl diphosphate synthase subunit; plus strand). Cytogenetic location: 6q22.1.
Variant type: single nucleotide variant.
Coding change: c.722T>A on transcript NM_138459.5 (MANE Select); coding-DNA position 722, T replaced by A.
Protein change: p.Val241Glu; replaces valine 241 with glutamic acid.
Molecular consequence: missense variant.
Genome position (GRCh38, 1-based): chr6:117,703,635, T>A. VCF-style: chr6-117703635-T-A. GRCh37 (hg19) VCF-style: chr6-118024798-T-A.
Other names: short protein forms V241E.
Identifiers: ClinVar variation 5008729 (VCV005008729.1).
Genomic context (GRCh38, chr6:117,703,635, plus strand): 5'-TAAGTTCATGTGTATTTATTTATTTCCAAGGTTCAAATGGTTGTCCTGATCCTGATTTAG[T>A]ATTGAAGTTCGGTCCTGTGGACAGCACATTAGGCTTTCTTCCCTGGCACATCAGATTGAC-3'
Protein context (NP_612468.1, residues 231-251): SSNGCPDPDL[Val241Glu]LKFGPVDSTL